The following is an entry in ClinVar:

ClinVar aggregate classification (germline): Pathogenic. Review status: reviewed by expert panel (3 of 4 stars). 5 submissions from 5 submitters: Pathogenic (1). 4 of the submissions do not count toward it. Last evaluated 2016-09-08.

Conditions:
Hereditary cancer-predisposing syndrome. Also called: Tumor predisposition; Neoplastic Syndromes, Hereditary; Hereditary Cancer Syndrome; Hereditary neoplastic syndrome. Identifiers: Orphanet 140162, MedGen C0027672, MeSH D009386, MONDO:0015356.
Hereditary breast ovarian cancer syndrome. Also called: Hereditary breast and ovarian cancer syndrome (HBOC); Hereditary breast and ovarian cancer syndrome; Hereditary breast and ovarian cancer; Hereditary breast and/or ovarian cancer syndrome; Breast and ovarian cancer; BRCA1- and BRCA2-Associated Hereditary Breast and Ovarian Cancer. Identifiers: Orphanet 145, MedGen C0677776, MeSH D061325, MONDO:0003582. Disease mechanism: loss of function.
Breast-ovarian cancer, familial, susceptibility to, 1 (BROVCA1). Also called: OVARIAN CANCER, SUSCEPTIBILITY TO; BRCA1 Hereditary Breast and Ovarian Cancer. Identifiers: Orphanet 145, MedGen C2676676, MONDO:0011450, OMIM 604370. Disease mechanism: loss of function.

Submissions (5):

Evidence-based Network for the Interpretation of Germline Mutant Alleles (ENIGMA)
Classification: Pathogenic for Breast-ovarian cancer, familial, susceptibility to, 1. Last evaluated: 2016-09-08. Review status: reviewed by expert panel. Criteria: ENIGMA BRCA1/2 Classification Criteria (2015). Collection method: curation. Allele origin: germline.
Comment: Variant allele predicted to encode a truncated non-functional protein.

Quest Diagnostics Nichols Institute San Juan Capistrano
Classification: Pathogenic. Last evaluated: 2025-10-09. Review status: criteria provided, single submitter. Criteria: Quest Diagnostics criteria. Collection method: clinical testing. Allele origin: unknown. Not counted in ClinVar's aggregate classification.
Comment: The BRCA1 c.1352C>G (p.Ser451*) variant causes the premature termination of BRCA1 protein synthesis. This variant has been reported in the published literature in individuals with breast cancer (PMID: 28294317 (2017), 21233401 (2011)) and reported as a somatic variant in a breast cancer cohort (PMID: 21233401 (2011)). This variant has also been identified in a large worldwide study of BRCA1/2 positive families (PMID: 29446198 (2018)). A different variant resulting in the same molecular consequence has been reported in individuals with breast and/or ovarian cancer (PMID: 28176296 (2017), 25428229 (2014), 15146556 (2004)), and as a somatic variant in an individual with oral cancer (PMID: 38188288 (2023)). This variant has not been reported in large, multi-ethnic general populations (Genome Aggregation Database). Based on the available information, this variant is classified as pathogenic .

Ambry Genetics
Classification: Pathogenic for Hereditary cancer-predisposing syndrome. Last evaluated: 2024-12-31. Review status: criteria provided, single submitter. Criteria: Ambry Variant Classification Scheme 2023. Collection method: clinical testing. Allele origin: germline. Not counted in ClinVar's aggregate classification.
Comment: The p.S451* pathogenic mutation (also known as c.1352C>G), located in coding exon 9 of the BRCA1 gene, results from a C to G substitution at nucleotide position 1352. This changes the amino acid from a serine to a stop codon within coding exon 9. This variant is considered to be rare based on population cohorts in the Genome Aggregation Database (gnomAD). This alteration is expected to result in loss of function by premature protein truncation or nonsense-mediated mRNA decay. As such, this alteration is interpreted as a disease-causing mutation.

Labcorp Genetics (formerly Invitae), Labcorp
Classification: Pathogenic for Hereditary breast ovarian cancer syndrome. Last evaluated: 2021-06-21. Review status: criteria provided, single submitter. Criteria: Invitae Variant Classification Sherloc (09022015). Collection method: clinical testing. Allele origin: germline. Not counted in ClinVar's aggregate classification.
Comment: This sequence change creates a premature translational stop signal (p.Ser451*) in the BRCA1 gene. It is expected to result in an absent or disrupted protein product. Loss-of-function variants in BRCA1 are known to be pathogenic (PMID: 20104584). This variant is not present in population databases (ExAC no frequency). This variant has been observed in individual(s) with a personal and/or family history of breast and ovarian cancer (PMID: 28294317, 30702160). ClinVar contains an entry for this variant (Variation ID: 54218). For these reasons, this variant has been classified as Pathogenic.

Breast Cancer Information Core (BIC) (BRCA1)
Classification: Pathogenic for Breast-ovarian cancer, familial 1. Last evaluated: 2003-12-23. Review status: no assertion criteria provided. Collection method: clinical testing. Allele origin: germline. Affected: yes. Observed: 1 variant allele. Not counted in ClinVar's aggregate classification.

Literature cited by the submitters: PubMed 21233401 (cited by Quest Diagnostics Nichols Institute San Juan Capistrano); PubMed 15146556 (cited by Quest Diagnostics Nichols Institute San Juan Capistrano); PubMed 25428229 (cited by Quest Diagnostics Nichols Institute San Juan Capistrano); PubMed 30702160 (cited by Quest Diagnostics Nichols Institute San Juan Capistrano and Labcorp Genetics (formerly Invitae), Labcorp); PubMed 28294317 (cited by Quest Diagnostics Nichols Institute San Juan Capistrano and Labcorp Genetics (formerly Invitae), Labcorp); PubMed 31825140 (cited by Quest Diagnostics Nichols Institute San Juan Capistrano); PubMed 28176296 (cited by Quest Diagnostics Nichols Institute San Juan Capistrano); PubMed 29446198 (cited by Quest Diagnostics Nichols Institute San Juan Capistrano); PubMed 38188288 (cited by Quest Diagnostics Nichols Institute San Juan Capistrano); PubMed 20104584 (cited by Labcorp Genetics (formerly Invitae), Labcorp).

NM_007294.4(BRCA1):c.1352C>G (p.Ser451Ter)

Gene: BRCA1 (BRCA1 DNA repair associated; minus strand). Cytogenetic location: 17q21.31.
Variant type: single nucleotide variant.
Coding change: c.1352C>G on transcript NM_007294.4 (MANE Select); coding-DNA position 1352, C replaced by G.
Protein change: p.Ser451Ter; replaces serine 451 with a stop codon.
Molecular consequence: nonsense. On other transcripts: intron variant (137).
Genome position (GRCh38, 1-based): chr17:43,094,179, G>C on the plus strand (C>G on the coding strand, the complement: BRCA1 is on the minus strand). VCF-style: chr17-43094179-G-C. GRCh37 (hg19) VCF-style: chr17-41246196-G-C.
Other names: c.1229C>G, p.Ser410Ter (NM_001407938.1, NM_001407939.1, NM_001407648.1 and 19 more transcripts); c.1226C>G, p.Ser409Ter (NM_001407940.1, NM_001407941.1, NM_001407649.1 and 11 more transcripts); c.1211C>G, p.Ser404Ter (NM_001407942.1, NM_001407944.1, NM_001407945.1 and 29 more transcripts); c.1208C>G, p.Ser403Ter (NM_001407943.1, NM_001407964.1, NM_001407740.1 and 20 more transcripts); c.1019C>G, p.Ser340Ter (NM_001407946.1, NM_001407947.1, NM_001407948.1 and 6 more transcripts); c.1016C>G, p.Ser339Ter (NM_001407954.1, NM_001407955.1, NM_001407956.1 and 1 more transcripts); c.971C>G, p.Ser324Ter (NM_001407959.1, NM_001407960.1, NM_001407963.1); c.968C>G, p.Ser323Ter (NM_001407962.1); and 40 more; short protein forms S451*, S404*, S323*, S380*, S381*, S383*, S403*, S425*.
Identifiers: ClinVar variation 54218 (VCV000054218.14), dbSNP rs80356891, ClinGen allele CA000899.